The following is an entry in ClinVar:

NM_015021.3(ZNF292):c.1458AGA[1] (p.Glu488del)

Gene: ZNF292 (zinc finger protein 292; plus strand). Cytogenetic location: 6q14.3.
Variant type: Microsatellite.
Coding change: c.1458AGA[1] on transcript NM_015021.3 (MANE Select); one copy of the 3-base unit AGA starting at c.1458; the reference has two copies in a row; one copy, 3 bases deleted.
Protein change: p.Glu488del; deletes glutamic acid 488.
Molecular consequence: inframe deletion.
Genome position (GRCh38, 1-based): chr6:87,255,090-87,255,092, AGA deleted; deleting any 3 consecutive bases within chr6:87,255,086-87,255,092 gives the same sequence; the position shown is the placement nearest the transcript's 3' end. VCF-style (leftmost placement, unchanged base first): chr6-87255085-CAAG-C. GRCh37 (hg19) VCF-style: chr6-87964803-CAAG-C.
Other names: c.1038AGA[1], p.Glu348del (NM_001351444.2); short protein forms E348del, E488del.
Identifiers: ClinVar variation 4057007 (VCV004057007.2).

ClinVar aggregate classification (germline): Uncertain significance (1 of 4 stars; one submission).

Submission:

GeneDx
Classification: Uncertain significance. Last evaluated: 2025-12-18. Review status: criteria provided, single submitter. Criteria: GeneDx Variant Classification Process June 2021. Collection method: clinical testing. Allele origin: germline.
Comment: In-frame deletion of 1 amino acid in a non-repeat region; Not observed at significant frequency in large population cohorts (gnomAD); In silico analysis supports a deleterious effect on protein structure/function; Has not been previously published as pathogenic or benign to our knowledge